The following is an entry in ClinVar:

NM_182914.3(SYNE2):c.19465C>T (p.His6489Tyr)

Gene: SYNE2 (spectrin repeat containing nuclear envelope protein 2; plus strand). Cytogenetic location: 14q23.2.
Variant type: single nucleotide variant.
Coding change: c.19465C>T on transcript NM_182914.3 (MANE Select); coding-DNA position 19465, C replaced by T.
Protein change: p.His6489Tyr; replaces histidine 6489 with tyrosine.
Molecular consequence: missense variant. On other transcripts: 5 prime UTR variant (1).
Genome position (GRCh38, 1-based): chr14:64,216,310, C>T. VCF-style: chr14-64216310-C-T. GRCh37 (hg19) VCF-style: chr14-64683028-C-T.
Other names: c.19396C>T, p.His6466Tyr (NM_015180.6); c.-12C>T (NM_182910.2); c.367C>T, p.His123Tyr (NM_182913.4); c.19465C>T (NM_182914.2); short protein forms H6466Y, H6489Y, H123Y.
Identifiers: ClinVar variation 2062006 (VCV002062006.13), dbSNP rs368086299, ClinGen allele CA7224455.

ClinVar aggregate classification (germline): Conflicting classifications of pathogenicity. Review status: criteria provided, conflicting classifications (1 of 4 stars). 3 submissions from 3 submitters: Uncertain significance (2); Likely benign (1). Last evaluated 2025-10-01.

Conditions:
Emery-Dreifuss muscular dystrophy 5, autosomal dominant (EDMD5). Also called: EMERY-DREIFUSS MUSCULAR DYSTROPHY 5. Identifiers: Orphanet 261, MedGen C2751805, MONDO:0013072, OMIM 612999.

Allele frequency attached by ClinVar (database versions not stated): TOPMed 0.00002; gnomAD 0.00003; gnomAD exomes 0.00003; ExAC 0.00005; ESP Exome Variant Server 0.00015.
gnomAD v4.1: 57 of 1,614,084 alleles (0.0035%); highest among the groups gnomAD compares: Non-Finnish European, 0.0043%; no homozygotes.

Submissions (3):

CeGaT Center for Human Genetics Tuebingen
Classification: Likely benign. Last evaluated: 2025-10-01. Review status: criteria provided, single submitter. Criteria: CeGaT Center For Human Genetics Tuebingen Variant Classification Criteria Version 2. Collection method: clinical testing. Allele origin: germline. Affected: yes. Observed: 1 variant allele.
Comment: SYNE2: BP4

Labcorp Genetics (formerly Invitae), Labcorp
Classification: Uncertain significance for Emery-Dreifuss muscular dystrophy 5, autosomal dominant. Last evaluated: 2024-02-20. Review status: criteria provided, single submitter. Criteria: Invitae Variant Classification Sherloc (09022015). Collection method: clinical testing. Allele origin: germline.
Comment: This sequence change replaces histidine, which is basic and polar, with tyrosine, which is neutral and polar, at codon 6489 of the SYNE2 protein (p.His6489Tyr). This variant is present in population databases (rs368086299, gnomAD 0.007%). This variant has not been reported in the literature in individuals affected with SYNE2-related conditions. ClinVar contains an entry for this variant (Variation ID: 2062006). An algorithm developed to predict the effect of missense changes on protein structure and function (PolyPhen-2) suggests that this variant is likely to be disruptive. In summary, the available evidence is currently insufficient to determine the role of this variant in disease. Therefore, it has been classified as a Variant of Uncertain Significance.

Revvity Omics, Revvity
Classification: Uncertain significance for Emery-Dreifuss muscular dystrophy 5, autosomal dominant. Last evaluated: 2019-02-21. Review status: criteria provided, single submitter. Criteria: ACMG Guidelines, 2015. Collection method: clinical testing. Allele origin: germline.